The following is an entry in ClinVar:

NM_001103.4(ACTN2):c.533C>G (p.Thr178Ser)

Gene: ACTN2 (actinin alpha 2; plus strand). Cytogenetic location: 1q43.
Variant type: single nucleotide variant.
Coding change: c.533C>G on transcript NM_001103.4 (MANE Select); coding-DNA position 533, C replaced by G.
Protein change: p.Thr178Ser; replaces threonine 178 with serine.
Molecular consequence: missense variant. On other transcripts: 5 prime UTR variant (1).
Genome position (GRCh38, 1-based): chr1:236,726,017, C>G. VCF-style: chr1-236726017-C-G. GRCh37 (hg19) VCF-style: chr1-236889317-C-G.
Other names: c.533C>G, p.Thr178Ser (NM_001278343.2); c.-289C>G (NM_001278344.2); short protein forms T178S.
Identifiers: ClinVar variation 1433483 (VCV001433483.7), dbSNP rs1176106230, ClinGen allele CA345374875.

ClinVar aggregate classification (germline): Uncertain significance (1 of 4 stars; one submission).

Conditions:
Dilated cardiomyopathy 1AA (CMD1AA). Also called: Cardiomyopathy, dilated, 1AA, with or without LVNC; CARDIOMYOPATHY, FAMILIAL HYPERTROPHIC, 23, WITH OR WITHOUT LEFT VENTRICULAR NONCOMPACTION; CARDIOMYOPATHY, DILATED, 1AA, WITH OR WITHOUT LEFT VENTRICULAR NONCOMPACTION. Identifiers: Orphanet 154, MedGen C2677338, MONDO:0012808, OMIM 612158.
Primary familial hypertrophic cardiomyopathy (HCM). Identifiers: Orphanet 99739, MedGen C0949658, MeSH D024741, MONDO:0024573. Inheritance: Various modes of inheritance.

Submission:

Labcorp Genetics (formerly Invitae), Labcorp
Classification: Uncertain significance for Primary familial hypertrophic cardiomyopathy; Dilated cardiomyopathy 1AA. Last evaluated: 2021-08-31. Review status: criteria provided, single submitter. Criteria: Invitae Variant Classification Sherloc (09022015). Collection method: clinical testing. Allele origin: germline.
Comment: Algorithms developed to predict the effect of sequence changes on RNA splicing suggest that this variant may create or strengthen a splice site. In summary, the available evidence is currently insufficient to determine the role of this variant in disease. Therefore, it has been classified as a Variant of Uncertain Significance. This variant has not been reported in the literature in individuals affected with ACTN2-related conditions. This variant is not present in population databases (ExAC no frequency). Advanced modeling of protein sequence and biophysical properties (such as structural, functional, and spatial information, amino acid conservation, physicochemical variation, residue mobility, and thermodynamic stability) performed at Invitae indicates that this missense variant is not expected to disrupt ACTN2 protein function. This sequence change replaces threonine with serine at codon 178 of the ACTN2 protein (p.Thr178Ser). The threonine residue is highly conserved and there is a small physicochemical difference between threonine and serine.